The following is an entry in ClinVar:

NM_000180.4(GUCY2D):c.3144G>C (p.Lys1048Asn)

Gene: GUCY2D (guanylate cyclase 2D, retinal; plus strand). Cytogenetic location: 17p13.1.
Variant type: single nucleotide variant.
Coding change: c.3144G>C on transcript NM_000180.4 (MANE Select); coding-DNA position 3144, G replaced by C.
Protein change: p.Lys1048Asn; replaces lysine 1048 with asparagine.
Molecular consequence: missense variant.
Genome position (GRCh38, 1-based): chr17:8,016,210, G>C. VCF-style: chr17-8016210-G-C. GRCh37 (hg19) VCF-style: chr17-7919528-G-C.
Other names: short protein forms K1048N.
Identifiers: ClinVar variation 3753547 (VCV003753547.2).
Genomic context (GRCh38, chr17:8,016,210, plus strand): 5'-CCCCCACCCCTCACCCCAGTCCGCCTAAGTCCTTCCCTCTCCCATGTCTCCCCAGGGCAA[G>C]GGCGCCGAGGACACTTTCTGGCTAGTGGGCAGACGCGGCTTCAACAAGCCCATCCCCAAA-3'
Protein context (NP_000171.1, residues 1038-1058): ELRGRTELKG[Lys1048Asn]GAEDTFWLVG

ClinVar aggregate classification (germline): Uncertain significance (1 of 4 stars; one submission).

Conditions:
Cone-rod dystrophy 6 (CORD6). Also called: Cone dystrophy progressive; RETINAL CONE DYSTROPHY 2. Identifiers: Orphanet 1872, MedGen C1866293, MONDO:0011143, OMIM 601777.
Leber congenital amaurosis 1 (LCA1). Also called: AMAUROSIS CONGENITA OF LEBER I; Congenital absence of the rods and cones; Leber's congenital tapetoretinal degeneration; Leber's congenital tapetoretinal dysplasia; RETINAL BLINDNESS, CONGENITAL. Identifiers: Orphanet 65, MedGen C2931258, MONDO:0008764, OMIM 204000.

Submission:

Labcorp Genetics (formerly Invitae), Labcorp
Classification: Uncertain significance for Leber congenital amaurosis 1; Cone-rod dystrophy 6. Last evaluated: 2024-01-31. Review status: criteria provided, single submitter. Criteria: Invitae Variant Classification Sherloc (09022015). Collection method: clinical testing. Allele origin: germline.
Comment: This sequence change replaces lysine, which is basic and polar, with asparagine, which is neutral and polar, at codon 1048 of the GUCY2D protein (p.Lys1048Asn). This variant is not present in population databases (gnomAD no frequency). This variant has not been reported in the literature in individuals affected with GUCY2D-related conditions. Advanced modeling of protein sequence and biophysical properties (such as structural, functional, and spatial information, amino acid conservation, physicochemical variation, residue mobility, and thermodynamic stability) has been performed at Invitae for this missense variant, however the output from this modeling did not meet the statistical confidence thresholds required to predict the impact of this variant on GUCY2D protein function. In summary, the available evidence is currently insufficient to determine the role of this variant in disease. Therefore, it has been classified as a Variant of Uncertain Significance.